The following is an entry in ClinVar:

ClinVar aggregate classification (germline): Uncertain significance. Review status: criteria provided, multiple submitters, no conflicts (2 of 4 stars). 2 submissions from 2 submitters: Uncertain significance (2). Last evaluated 2024-11-26.

Conditions:
Baller-Gerold syndrome (BGS). Also called: CRANIOSYNOSTOSIS WITH RADIAL DEFECTS. Identifiers: Orphanet 1225, MedGen C0265308, MONDO:0009039, OMIM 218600.
Inborn genetic diseases. Identifiers: MedGen C0950123, MeSH D030342.

Allele frequency attached by ClinVar (database versions not stated): gnomAD exomes below 0.00001.
gnomAD v4.1: 1 of 1,608,796 alleles (0.000062%); highest among the groups gnomAD compares: East Asian, 0.0022%; no homozygotes.

Submissions (2):

Ambry Genetics
Classification: Uncertain significance for Inborn genetic diseases. Last evaluated: 2024-11-26. Review status: criteria provided, single submitter. Criteria: Ambry Variant Classification Scheme 2023. Collection method: clinical testing. Allele origin: germline.
Comment: The p.S225P variant (also known as c.673T>C), located in coding exon 5 of the RECQL4 gene, results from a T to C substitution at nucleotide position 673. The serine at codon 225 is replaced by proline, an amino acid with similar properties. This amino acid position is conserved. In addition, this alteration is predicted to be tolerated by in silico analysis. Based on the available evidence, the clinical significance of this variant remains unclear.

Labcorp Genetics (formerly Invitae), Labcorp
Classification: Uncertain significance for Baller-Gerold syndrome. Last evaluated: 2021-10-21. Review status: criteria provided, single submitter. Criteria: Invitae Variant Classification Sherloc (09022015). Collection method: clinical testing. Allele origin: germline.
Comment: This sequence change replaces serine with proline at codon 225 of the RECQL4 protein (p.Ser225Pro). The serine residue is weakly conserved and there is a moderate physicochemical difference between serine and proline. This variant is not present in population databases (ExAC no frequency). This variant has not been reported in the literature in individuals affected with RECQL4-related conditions. Experimental studies and prediction algorithms are not available or were not evaluated, and the functional significance of this variant is currently unknown. In summary, the available evidence is currently insufficient to determine the role of this variant in disease. Therefore, it has been classified as a Variant of Uncertain Significance.

NM_004260.4(RECQL4):c.673T>C (p.Ser225Pro)

Gene: RECQL4 (RecQ like helicase 4; minus strand). Cytogenetic location: 8q24.3.
Variant type: single nucleotide variant.
Coding change: c.673T>C on transcript NM_004260.4 (MANE Select); coding-DNA position 673, T replaced by C.
Protein change: p.Ser225Pro; replaces serine 225 with proline.
Molecular consequence: missense variant.
Genome position (GRCh38, 1-based): chr8:144,516,446, A>G on the plus strand (T>C on the coding strand, the complement: RECQL4 is on the minus strand). VCF-style: chr8-144516446-A-G. GRCh37 (hg19) VCF-style: chr8-145741830-A-G.
Other names: c.673T>C (NM_004260.3); short protein forms S225P.
Identifiers: ClinVar variation 1422227 (VCV001422227.7), dbSNP rs1259887674, ClinGen allele CA372689783.